The following is an entry in ClinVar:

ClinVar aggregate classification (germline): Uncertain significance. Review status: reviewed by expert panel (3 of 4 stars). 3 submissions from 3 submitters: Uncertain significance (1). 2 of the submissions do not count toward it. Last evaluated 2025-01-15.

Conditions:
Hereditary thrombocytopenia and hematologic cancer predisposition syndrome. Identifiers: Orphanet 71290, MedGen CN281654, MONDO:0011071.
Hereditary thrombocytopenia and hematological cancer predisposition syndrome associated with RUNX1. Also called: PLATELET DISORDER, ASPIRIN-LIKE; Familial Platelet Disorder with Propensity to Acute Myelogenous Leukemia; Familial thrombocytopenia with propensity to acute myelogenous leukemia; RUNX1 Familial Platelet Disorder with Associated Myeloid Malignancies. Identifiers: Orphanet 71290, MedGen C1832388, MeSH C563324, MONDO:0100083, OMIM 601399.
Inborn genetic diseases. Identifiers: MedGen C0950123, MeSH D030342.

Allele frequency attached by ClinVar (database versions not stated): gnomAD exomes below 0.00001.
gnomAD v4.1: 2 of 1,606,334 alleles (0.00012%); highest among the groups gnomAD compares: African/African-American, 0.0013%; no homozygotes.

Submissions (3):

ClinGen Myeloid Malignancy Variant Curation Expert Panel
Classification: Uncertain significance for Hereditary thrombocytopenia and hematologic cancer predisposition syndrome. Last evaluated: 2025-01-15. Review status: reviewed by expert panel. Criteria: ClinGen MyeloMalig ACMG Specifications v2. Collection method: curation. Allele origin: germline. Inheritance: Autosomal dominant inheritance.
Comment: NM_001754.5(RUNX1):c.1012G>A (p.Ala338Thr) is a missense variant that is completely absent from all population databases with at least 20x coverage for RUNX1 (PM2_supporting). This missense variant has a REVEL score <0.50 (0.053) and SpliceAI is ≤0.20 (0.00) (BP4). In summary, the clinical significance of this variant is uncertain. ACMG/AMP criteria applied, as specified by the Myeloid Malignancy Variant Curation Expert Panel for RUNX1: PM2_supporting, BP4

Ambry Genetics
Classification: Uncertain significance for Inborn genetic diseases. Last evaluated: 2025-03-08. Review status: criteria provided, single submitter. Criteria: Ambry Variant Classification Scheme 2023. Collection method: clinical testing. Allele origin: germline. Not counted in ClinVar's aggregate classification.
Comment: The p.A338T variant (also known as c.1012G>A), located in coding exon 8 of the RUNX1 gene, results from a G to A substitution at nucleotide position 1012. The alanine at codon 338 is replaced by threonine, an amino acid with similar properties. This amino acid position is conserved. In addition, this alteration is predicted to be tolerated by in silico analysis. Based on the available evidence, the clinical significance of this variant remains unclear.

Labcorp Genetics (formerly Invitae), Labcorp
Classification: Uncertain significance for Hereditary thrombocytopenia and hematological cancer predisposition syndrome associated with RUNX1. Last evaluated: 2024-11-06. Review status: criteria provided, single submitter. Criteria: Invitae Variant Classification Sherloc (09022015). Collection method: clinical testing. Allele origin: germline. Not counted in ClinVar's aggregate classification.
Comment: This sequence change replaces alanine, which is neutral and non-polar, with threonine, which is neutral and polar, at codon 338 of the RUNX1 protein (p.Ala338Thr). This variant is not present in population databases (gnomAD no frequency). This variant has not been reported in the literature in individuals affected with RUNX1-related conditions. ClinVar contains an entry for this variant (Variation ID: 944258). An algorithm developed to predict the effect of missense changes on protein structure and function outputs the following: PolyPhen-2: "Benign". The threonine amino acid residue is found in multiple mammalian species, which suggests that this missense change does not adversely affect protein function. In summary, the available evidence is currently insufficient to determine the role of this variant in disease. Therefore, it has been classified as a Variant of Uncertain Significance.

NM_001754.5(RUNX1):c.1012G>A (p.Ala338Thr)

Gene: RUNX1 (RUNX family transcription factor 1; minus strand). Cytogenetic location: 21q22.12.
Variant type: single nucleotide variant.
Coding change: c.1012G>A on transcript NM_001754.5 (MANE Select); coding-DNA position 1012, G replaced by A.
Protein change: p.Ala338Thr; replaces alanine 338 with threonine.
Molecular consequence: missense variant.
Genome position (GRCh38, 1-based): chr21:34,792,566, C>T on the plus strand (G>A on the coding strand, the complement: RUNX1 is on the minus strand). VCF-style: chr21-34792566-C-T. GRCh37 (hg19) VCF-style: chr21-36164863-C-T.
Other names: NM_001754.5(RUNX1):c.1012G>A; p.Ala338Thr; c.931G>A, p.Ala311Thr (NM_001001890.3); short protein forms A338T, A311T.
Identifiers: ClinVar variation 944258 (VCV000944258.12), dbSNP rs2056460468, ClinGen allele CA410148609.